The following is an entry in ClinVar:

NM_000157.4(GBA1):c.1224+1G>C

Genes: GBA1 (glucosylceramidase beta 1; minus strand), LOC106627981 (GBA recombination region; plus strand). Cytogenetic location: 1q22.
Variant type: single nucleotide variant.
Coding change: c.1224+1G>C on transcript NM_000157.4 (MANE Select); the canonical splice donor site of the intron after coding-DNA position 1224, G replaced by C.
Molecular consequence: splice donor variant.
Genome position (GRCh38, 1-based): chr1:155,236,244, C>G on the plus strand (G>C on the coding strand, the complement: GBA1 is on the minus strand). VCF-style: chr1-155236244-C-G. GRCh37 (hg19) VCF-style: chr1-155206035-C-G.
Other names: c.963+1G>C (NM_001171811.2); c.1224+1G>C (NM_001005742.3, NM_001005741.3); c.1077+1G>C (NM_001171812.2).
Identifiers: ClinVar variation 4068462 (VCV004068462.2).

ClinVar aggregate classification (germline): Likely pathogenic (1 of 4 stars; one submission).

Conditions:
Gaucher disease. Also called: Kerasin lipoidosis; Kerasin thesaurismosis; Acute cerebral Gaucher disease; Cerebroside lipidosis syndrome; Gaucher splenomegaly; Sphingolipidosis 1. Identifiers: Orphanet 355, MedGen C0017205, MONDO:0018150.

Submission:

Natera, Inc.
Classification: Likely pathogenic for Gaucher disease. Last evaluated: 2025-01-15. Review status: criteria provided, single submitter. Criteria: Natera Variant Classification Schema (03/2026). Collection method: clinical testing. Allele origin: germline.
Comment: The c.1224+1G>C variant in GBA1 is a canonical splice donor site variant predicted to affect pre-mRNA splicing, which may result in an abnormal transcript and altered protein product. This variant is expected to result in nonsense mediated decay, truncation, or a dysfunctional protein product. This variant is rare in the general population with a frequency below the threshold expected for the associated phenotype(s). Given the available evidence, this variant is classified as Likely Pathogenic.